The following is an entry in ClinVar:

ClinVar aggregate classification (germline): Uncertain significance. Review status: criteria provided, multiple submitters, no conflicts (2 of 4 stars). 2 submissions from 2 submitters: Uncertain significance (2). Last evaluated 2021-08-09.

Conditions:
Inborn genetic diseases. Identifiers: MedGen C0950123, MeSH D030342.
Combined immunodeficiency due to ORAI1 deficiency. Also called: IMMUNODEFICIENCY 9. Identifiers: Orphanet 169090, Orphanet 317428, MedGen C2748568, MONDO:0013007, OMIM 612782.
Myopathy, tubular aggregate, 2 (TAM2). Identifiers: MedGen C4014557, MONDO:0014383, OMIM 615883.

Allele frequency attached by ClinVar (database versions not stated): gnomAD 0.00002; TOPMed 0.00002.

Submissions (2):

Ambry Genetics
Classification: Uncertain significance for Inborn genetic diseases. Last evaluated: 2021-08-09. Review status: criteria provided, single submitter. Criteria: Ambry Variant Classification Scheme 2023. Collection method: clinical testing. Allele origin: germline.

Labcorp Genetics (formerly Invitae), Labcorp
Classification: Uncertain significance for Myopathy, tubular aggregate, 2; Combined immunodeficiency due to ORAI1 deficiency. Last evaluated: 2020-10-21. Review status: criteria provided, single submitter. Criteria: Invitae Variant Classification Sherloc (09022015). Collection method: clinical testing. Allele origin: germline.
Comment: In summary, the available evidence is currently insufficient to determine the role of this variant in disease. Therefore, it has been classified as a Variant of Uncertain Significance. Experimental studies and prediction algorithms are not available or were not evaluated, and the functional significance of this variant is currently unknown. This variant has not been reported in the literature in individuals with ORAI1-related conditions. The frequency data for this variant in the population databases is considered unreliable, as metrics indicate insufficient coverage at this position in the ExAC database. This sequence change replaces serine with arginine at codon 25 of the ORAI1 protein (p.Ser25Arg). The serine residue is weakly conserved and there is a moderate physicochemical difference between serine and arginine.

NM_032790.4(ORAI1):c.75C>G (p.Ser25Arg)

Genes: ORAI1 (ORAI calcium release-activated calcium modulator 1; plus strand), LOC130008987 (ATAC-STARR-seq lymphoblastoid silent region 4981; plus strand). Cytogenetic location: 12q24.31.
Variant type: single nucleotide variant.
Coding change: c.75C>G on transcript NM_032790.4 (MANE Select); coding-DNA position 75, C replaced by G.
Protein change: p.Ser25Arg; replaces serine 25 with arginine.
Genome position (GRCh38, 1-based): chr12:121,626,817, C>G. VCF-style: chr12-121626817-C-G. GRCh37 (hg19) VCF-style: chr12-122064722-C-G.
Other names: short protein forms S25R.
Identifiers: ClinVar variation 1018535 (VCV001018535.8), dbSNP rs1273511135, ClinGen allele CA386980427.